The following is an entry in ClinVar:

NM_015650.4(TRAF3IP1):c.814G>A (p.Asp272Asn)

Gene: TRAF3IP1 (TRAF3 interacting protein 1; plus strand). Cytogenetic location: 2q37.3.
Variant type: single nucleotide variant.
Coding change: c.814G>A on transcript NM_015650.4 (MANE Select); coding-DNA position 814, G replaced by A.
Protein change: p.Asp272Asn; replaces aspartic acid 272 with asparagine.
Molecular consequence: missense variant.
Genome position (GRCh38, 1-based): chr2:238,329,241, G>A. VCF-style: chr2-238329241-G-A. GRCh37 (hg19) VCF-style: chr2-239237882-G-A.
Other names: c.814G>A, p.Asp272Asn (NM_001139490.1); short protein forms D272N.
Identifiers: ClinVar variation 958837 (VCV000958837.9), dbSNP rs1698002423, ClinGen allele CA351246037.
Genomic context (GRCh38, chr2:238,329,241, plus strand): 5'-AAGAGTGAGGGGGGGAAAGAGAAGGAGAGACTGAGAGACAGGGACCGAGAGCGCGACCGG[G>A]ACAAAGGGAAGGACAGGGACAGACGGAGAGTGAAAAACGGGGAGCACTCCTGGGACCTGG-3'
Protein context (NP_056465.2, residues 262-282): LRDRDRERDR[Asp272Asn]KGKDRDRRRV

ClinVar aggregate classification (germline): Uncertain significance (1 of 4 stars; one submission).

Submission:

Labcorp Genetics (formerly Invitae), Labcorp
Classification: Uncertain significance. Last evaluated: 2019-09-11. Review status: criteria provided, single submitter. Criteria: Invitae Variant Classification Sherloc (09022015). Collection method: clinical testing. Allele origin: germline.
Comment: This variant is not present in population databases (ExAC no frequency). In summary, the available evidence is currently insufficient to determine the role of this variant in disease. Therefore, it has been classified as a Variant of Uncertain Significance. Algorithms developed to predict the effect of missense changes on protein structure and function are either unavailable or do not agree on the potential impact of this missense change (SIFT: "Tolerated"; PolyPhen-2: "Probably Damaging"; Align-GVGD: "Class C0"). This variant has not been reported in the literature in individuals with TRAF3IP1-related conditions. This sequence change replaces aspartic acid with asparagine at codon 272 of the TRAF3IP1 protein (p.Asp272Asn). The aspartic acid residue is weakly conserved and there is a small physicochemical difference between aspartic acid and asparagine.